The following is an entry in ClinVar:

ClinVar aggregate classification (germline): Uncertain significance. Review status: criteria provided, multiple submitters, no conflicts (2 of 4 stars). 2 submissions from 2 submitters: Uncertain significance (2). Last evaluated 2026-05-29.

Conditions:
Inborn genetic diseases. Identifiers: MedGen C0950123, MeSH D030342.
Griscelli syndrome type 2 (GS2). Also called: GRISCELLI SYNDROME WITH HEMOPHAGOCYTIC SYNDROME; PAID SYNDROME; PARTIAL ALBINISM AND IMMUNODEFICIENCY SYNDROME. Identifiers: Orphanet 381, Orphanet 79477, MedGen C1868679, MONDO:0011872, OMIM 607624.

Allele frequency attached by ClinVar (database versions not stated): gnomAD 0.00001; TOPMed 0.00002; ExAC 0.00002; gnomAD exomes 0.00002.
gnomAD v4.1: 44 of 1,613,594 alleles (0.0027%); highest among the groups gnomAD compares: Admixed American, 0.01%; no homozygotes.

Submissions (2):

Ambry Genetics
Classification: Uncertain significance for Inborn genetic diseases. Last evaluated: 2026-05-29. Review status: criteria provided, single submitter. Criteria: Ambry Variant Classification Scheme 2023. Collection method: clinical testing. Allele origin: germline.
Comment: The c.175G>C (p.D59H) alteration is located in exon 3 (coding exon 2) of the RAB27A gene. This alteration results from a G to C substitution at nucleotide position 175, causing the aspartic acid (D) at amino acid position 59 to be replaced by a histidine (H). Based on data from gnomAD, the C allele has an overall frequency of 0.002% (6/250944) total alleles studied. The highest observed frequency was 0.009% (3/34542) of Latino alleles. Based on insufficient or conflicting evidence, the clinical significance of this alteration remains unclear.

Labcorp Genetics (formerly Invitae), Labcorp
Classification: Uncertain significance for Griscelli syndrome type 2. Last evaluated: 2022-08-31. Review status: criteria provided, single submitter. Criteria: Invitae Variant Classification Sherloc (09022015). Collection method: clinical testing. Allele origin: germline.
Comment: This sequence change replaces aspartic acid, which is acidic and polar, with histidine, which is basic and polar, at codon 59 of the RAB27A protein (p.Asp59His). This variant is present in population databases (rs770949071, gnomAD 0.009%). This variant has not been reported in the literature in individuals affected with RAB27A-related conditions. ClinVar contains an entry for this variant (Variation ID: 946355). Algorithms developed to predict the effect of missense changes on protein structure and function are either unavailable or do not agree on the potential impact of this missense change (SIFT: "Deleterious"; PolyPhen-2: "Possibly Damaging"; Align-GVGD: "Class C0"). In summary, the available evidence is currently insufficient to determine the role of this variant in disease. Therefore, it has been classified as a Variant of Uncertain Significance.

Literature cited by the submitters: PubMed 32655337 (cited by Ambry Genetics).

NM_183235.3(RAB27A):c.175G>C (p.Asp59His)

Gene: RAB27A (RAB27A, member RAS oncogene family; minus strand). Cytogenetic location: 15q21.3.
Variant type: single nucleotide variant.
Coding change: c.175G>C on transcript NM_183235.3 (MANE Select); coding-DNA position 175, G replaced by C.
Protein change: p.Asp59His; replaces aspartic acid 59 with histidine.
Molecular consequence: missense variant.
Genome position (GRCh38, 1-based): chr15:55,230,465, C>G on the plus strand (G>C on the coding strand, the complement: RAB27A is on the minus strand). VCF-style: chr15-55230465-C-G. GRCh37 (hg19) VCF-style: chr15-55522663-C-G.
Other names: c.175G>C, p.Asp59His (NM_004580.5, NM_183234.3, NM_183236.3); short protein forms D59H.
Identifiers: ClinVar variation 946355 (VCV000946355.8), dbSNP rs770949071, ClinGen allele CA7573670.
Genomic context (GRCh38, chr15:55,230,465, plus strand): 5'-CCTGCCCTGCTGTGTCCCATAACTGCAGGTGGATTCTCTGGCCTCTGCCAGTGGCTCCAT[C>G]CGGCCCACTGGCTCTGTACACCTAAAACAGCAAAGTGAAAGAGAAAACAAAAGAGAACTT-3'
Protein context (NP_899058.1, residues 49-69): KRVVYRASGP[Asp59His]GATGRGQRIH